The following is an entry in ClinVar:

ClinVar aggregate classification (germline): Pathogenic/Likely pathogenic. Review status: criteria provided, multiple submitters, no conflicts (2 of 4 stars). 3 submissions from 3 submitters: Pathogenic (2); Likely pathogenic (1). Last evaluated 2025-06-13.

Conditions:
Developmental and epileptic encephalopathy, 12 (DEE12). Identifiers: MedGen C3150988, MONDO:0013389, OMIM 613722.

gnomAD v4.1: 3 of 1,613,144 alleles (0.00019%); highest among the groups gnomAD compares: East Asian, 0.0022%; no homozygotes.

Submissions (3):

GeneDx
Classification: Likely pathogenic. Last evaluated: 2025-06-13. Review status: criteria provided, single submitter. Criteria: GeneDx Variant Classification Process June 2021. Collection method: clinical testing. Allele origin: germline. Affected: yes.
Comment: Nonsense variant predicted to result in protein truncation or nonsense mediated decay in a gene for which loss of function is a known mechanism of disease; Not observed at significant frequency in large population cohorts (gnomAD); Has not been previously published as pathogenic or benign to our knowledge

Labcorp Genetics (formerly Invitae), Labcorp
Classification: Pathogenic for Developmental and epileptic encephalopathy, 12. Last evaluated: 2025-06-03. Review status: criteria provided, single submitter. Criteria: Invitae Variant Classification Sherloc (09022015). Collection method: clinical testing. Allele origin: germline.
Comment: This sequence change creates a premature translational stop signal (p.Arg815*) in the PLCB1 gene. It is expected to result in an absent or disrupted protein product. Loss-of-function variants in PLCB1 are known to be pathogenic (PMID: 24684524). This variant is present in population databases (no rsID available, gnomAD 0.006%). This variant has not been reported in the literature in individuals affected with PLCB1-related conditions. ClinVar contains an entry for this variant (Variation ID: 3257285). For these reasons, this variant has been classified as Pathogenic.

CeGaT Center for Human Genetics Tuebingen
Classification: Pathogenic. Last evaluated: 2024-07-01. Review status: criteria provided, single submitter. Criteria: CeGaT Center For Human Genetics Tuebingen Variant Classification Criteria Version 2. Collection method: clinical testing. Allele origin: germline. Affected: yes. Observed: 1 variant allele.
Comment: PLCB1: PVS1, PM2, PM3:Supporting

Literature cited by the submitters: PubMed 24684524 (cited by Labcorp Genetics (formerly Invitae), Labcorp).

NM_015192.4(PLCB1):c.2443C>T (p.Arg815Ter)

Gene: PLCB1 (phospholipase C beta 1; plus strand). Cytogenetic location: 20p12.3.
Variant type: single nucleotide variant.
Coding change: c.2443C>T on transcript NM_015192.4 (MANE Select); coding-DNA position 2443, C replaced by T.
Protein change: p.Arg815Ter; replaces arginine 815 with a stop codon.
Molecular consequence: nonsense.
Genome position (GRCh38, 1-based): chr20:8,741,493, C>T. VCF-style: chr20-8741493-C-T. GRCh37 (hg19) VCF-style: chr20-8722140-C-T.
Other names: c.2443C>T, p.Arg815Ter (NM_182734.3); c.2443C>T (NM_015192.2); short protein forms R815*.
Identifiers: ClinVar variation 3257285 (VCV003257285.20).